The following is an entry in ClinVar:

ClinVar aggregate classification (germline): Uncertain significance (1 of 4 stars; one submission).

Allele frequency attached by ClinVar (database versions not stated): gnomAD 0.00001; gnomAD exomes 0.00001; TOPMed 0.00001; ExAC 0.00002.

Submission:

Labcorp Genetics (formerly Invitae), Labcorp
Classification: Uncertain significance. Last evaluated: 2025-10-05. Review status: criteria provided, single submitter. Criteria: Invitae Variant Classification Sherloc (09022015). Collection method: clinical testing. Allele origin: germline.
Comment: This sequence change replaces arginine, which is basic and polar, with cysteine, which is neutral and slightly polar, at codon 398 of the CEP78 protein (p.Arg398Cys). The frequency data for this variant in the population databases is considered unreliable, as metrics indicate poor data quality at this position in the gnomAD database. This variant has not been reported in the literature in individuals affected with CEP78-related conditions. ClinVar contains an entry for this variant (Variation ID: 861093). Invitae Evidence Modeling of protein sequence and biophysical properties (such as structural, functional, and spatial information, amino acid conservation, physicochemical variation, residue mobility, and thermodynamic stability) indicates that this missense variant is expected to disrupt CEP78 protein function with a positive predictive value of 80%. In summary, the available evidence is currently insufficient to determine the role of this variant in disease. Therefore, it has been classified as a Variant of Uncertain Significance.

NM_001330691.3(CEP78):c.1189C>T (p.Arg397Cys)

Gene: CEP78 (centrosomal protein 78; plus strand). Cytogenetic location: 9q21.2.
Variant type: single nucleotide variant.
Coding change: c.1189C>T on transcript NM_001330691.3 (MANE Select); coding-DNA position 1189, C replaced by T.
Protein change: p.Arg397Cys; replaces arginine 397 with cysteine.
Molecular consequence: missense variant.
Genome position (GRCh38, 1-based): chr9:78,252,027, C>T. VCF-style: chr9-78252027-C-T. GRCh37 (hg19) VCF-style: chr9-80866943-C-T.
Other names: c.1192C>T, p.Arg398Cys (NM_001098802.3, NM_001349839.2, NM_001349840.2 and 1 more transcripts); c.1189C>T, p.Arg397Cys (NM_001330693.3, NM_001330694.2, NM_001349838.2); short protein forms R397C, R398C.
Identifiers: ClinVar variation 861093 (VCV000861093.9), dbSNP rs758518878, ClinGen allele CA5095164.
Genomic context (GRCh38, chr9:78,252,027, plus strand): 5'-TATGCGCCCGCACCTCTTCCACCTGGTGTGTCTGGTTTCTTGCCGTGGCGTACTGCAGAA[C>T]GTGCAAAAAGACACAGGTAGGGTATTTTTATTTCCTATCTTTTAGGATAAAAATGGGATT-3'
Protein context (NP_001317620.1, residues 387-407): SGFLPWRTAE[Arg397Cys]AKRHRGFPLI